The following is an entry in ClinVar:

NM_145290.4(ADGRA3):c.3087C>T (p.Phe1029=)

Gene: ADGRA3 (adhesion G protein-coupled receptor A3; minus strand). Cytogenetic location: 4p15.2.
Variant type: single nucleotide variant.
Coding change: c.3087C>T on transcript NM_145290.4 (MANE Select); coding-DNA position 3087, C replaced by T.
Protein change: p.Phe1029=; no amino-acid change (phenylalanine 1029 retained).
Molecular consequence: synonymous variant.
Genome position (GRCh38, 1-based): chr4:22,388,584, G>A on the plus strand (C>T on the coding strand, the complement: ADGRA3 is on the minus strand). VCF-style: chr4-22388584-G-A. GRCh37 (hg19) VCF-style: chr4-22390207-G-A.
Other names: c.3087C>T (NM_145290.3).
Identifiers: ClinVar variation 1911080 (VCV001911080.7), dbSNP rs139718434, ClinGen allele CA2873445.

ClinVar aggregate classification (germline): Likely benign. Review status: criteria provided, single submitter (1 of 4 stars). 2 submissions from 2 submitters: Likely benign (1). 1 of the submissions does not count toward it. Last evaluated 2024-06-15.

Conditions:
ADGRA3-related disorder. Also called: ADGRA3-related condition.

Allele frequency attached by ClinVar (database versions not stated): gnomAD 0.00003; gnomAD exomes 0.00004; TOPMed 0.00004; ESP Exome Variant Server 0.00008; ExAC 0.00016.
gnomAD v4.1: 57 of 1,613,844 alleles (0.0035%); highest among the groups gnomAD compares: Middle Eastern, 0.016%; no homozygotes.

Submissions (2):

Labcorp Genetics (formerly Invitae), Labcorp
Classification: Likely benign. Last evaluated: 2024-06-15. Review status: criteria provided, single submitter. Criteria: Invitae Variant Classification Sherloc (09022015). Collection method: clinical testing. Allele origin: germline.

PreventionGenetics, part of Exact Sciences
Classification: Likely benign for ADGRA3-related condition. Last evaluated: 2019-06-20. Review status: no assertion criteria provided. Collection method: clinical testing. Allele origin: germline. Not counted in ClinVar's aggregate classification.
Comment: This variant is classified as likely benign based on ACMG/AMP sequence variant interpretation guidelines (Richards et al. 2015 PMID: 25741868, with internal and published modifications).